The following is an entry in ClinVar:

ClinVar aggregate classification (germline): Uncertain significance (1 of 4 stars; one submission).

Conditions:
CHD7-related disorder. Also called: CHD7-related condition.

Submission:

PreventionGenetics, part of Exact Sciences
Classification: Uncertain significance for CHD7-related condition. Last evaluated: 2026-07-27. Review status: criteria provided, single submitter. Criteria: ACMG Guidelines, 2015. Collection method: clinical testing. Allele origin: germline.
Comment: The CHD7 c.8257A>G variant is predicted to result in the amino acid substitution p.Met2753Val. To our knowledge, this variant has not been reported in the literature in a patient with a CHD7 related disorder. This variant has not been reported in a large population database, indicating this variant is rare. At this time, the clinical significance of this variant is uncertain due to the absence of conclusive functional and genetic evidence.

NM_017780.4(CHD7):c.8257A>G (p.Met2753Val)

Gene: CHD7 (chromodomain helicase DNA binding protein 7; plus strand). Cytogenetic location: 8q12.2.
Variant type: single nucleotide variant.
Coding change: c.8257A>G on transcript NM_017780.4 (MANE Select); coding-DNA position 8257, A replaced by G.
Protein change: p.Met2753Val; replaces methionine 2753 with valine.
Molecular consequence: missense variant.
Genome position (GRCh38, 1-based): chr8:60,865,196, A>G. VCF-style: chr8-60865196-A-G. GRCh37 (hg19) VCF-style: chr8-61777755-A-G.
Other names: c.2110A>G, p.Met704Val (NM_001316690.1); short protein forms M2753V, M704V.
Identifiers: ClinVar variation 2637169 (VCV002637169.3), dbSNP rs2488144422, ClinGen allele CA371307968.
Genomic context (GRCh38, chr8:60,865,196, plus strand): 5'-GCTGCTGTGGCCTCCACGTCAGGGATCAACCCTTTGCTGGTGAACAGCCTGTTTGCTGGA[A>G]TGGACCTGACGAGCCTTCAGAATCTCCAGAATCTCCAGTCGCTCCAGCTGGCAGGCCTCA-3'
Protein context (NP_060250.2, residues 2743-2763): PLLVNSLFAG[Met2753Val]DLTSLQNLQN